The following is an entry in ClinVar:

NM_147686.4(TRAF3IP2):c.1496A>G (p.Lys499Arg)

Genes: TRAF3IP2 (TRAF3 interacting protein 2; minus strand), TRAF3IP2-AS1 (TRAF3IP2 antisense RNA 1; plus strand). Cytogenetic location: 6q21.
Variant type: single nucleotide variant.
Coding change: c.1496A>G on transcript NM_147686.4 (MANE Select); coding-DNA position 1496, A replaced by G.
Protein change: p.Lys499Arg; replaces lysine 499 with arginine.
Molecular consequence: missense variant.
Genome position (GRCh38, 1-based): chr6:111,563,020, T>C on the plus strand (A>G on the coding strand, the complement: TRAF3IP2 is on the minus strand). VCF-style: chr6-111563020-T-C. GRCh37 (hg19) VCF-style: chr6-111884223-T-C.
Other names: c.1493A>G, p.Lys498Arg (NM_001164281.3); c.128A>G, p.Lys43Arg (NM_001164283.3); c.1523A>G, p.Lys508Arg (NM_147200.3); short protein forms K508R, K498R, K499R, K43R.
Identifiers: ClinVar variation 3696444 (VCV003696444.2).
Genomic context (GRCh38, chr6:111,563,020, plus strand): 5'-TTTACCTTCTTAGCATTTGGGAAGAGCACAGGGATGAATCTGAAATTCATGCTTCCTTGT[T>C]TTATGAACTCAATCTGCATCTGAAACCAAACAAATGTGAAGGTTTAATTTCAGGAATGAG-3'
Protein context (NP_679211.2, residues 489-509): IHRMMQIEFI[Lys499Arg]QGSMNFRFIP

ClinVar aggregate classification (germline): Uncertain significance (1 of 4 stars; one submission).

Conditions:
Candidiasis, familial, 8 (CANDF8). Identifiers: Orphanet 1334, MedGen C3714992, MONDO:0014230, OMIM 615527.

Submission:

Labcorp Genetics (formerly Invitae), Labcorp
Classification: Uncertain significance for Candidiasis, familial, 8. Last evaluated: 2024-02-16. Review status: criteria provided, single submitter. Criteria: Invitae Variant Classification Sherloc (09022015). Collection method: clinical testing. Allele origin: germline.
Comment: This sequence change replaces lysine, which is basic and polar, with arginine, which is basic and polar, at codon 499 of the TRAF3IP2 protein (p.Lys499Arg). This variant is not present in population databases (gnomAD no frequency). This variant has not been reported in the literature in individuals affected with TRAF3IP2-related conditions. Advanced modeling of protein sequence and biophysical properties (such as structural, functional, and spatial information, amino acid conservation, physicochemical variation, residue mobility, and thermodynamic stability) performed at Invitae indicates that this missense variant is not expected to disrupt TRAF3IP2 protein function with a negative predictive value of 80%. In summary, the available evidence is currently insufficient to determine the role of this variant in disease. Therefore, it has been classified as a Variant of Uncertain Significance.